The following is an entry in ClinVar:

NM_006258.4(PRKG1):c.121A>G (p.Lys41Glu)

Gene: PRKG1 (protein kinase cGMP-dependent 1; plus strand). Cytogenetic location: 10q11.23.
Variant type: single nucleotide variant.
Coding change: c.121A>G on transcript NM_006258.4 (MANE Select); coding-DNA position 121, A replaced by G.
Protein change: p.Lys41Glu; replaces lysine 41 with glutamic acid.
Molecular consequence: missense variant. On other transcripts: intron variant (1).
Genome position (GRCh38, 1-based): chr10:51,074,711, A>G. VCF-style: chr10-51074711-A-G. GRCh37 (hg19) VCF-style: chr10-52834471-A-G.
Other names: c.121A>G, p.Lys41Glu (NM_001374782.1); c.267-78453A>G (NM_001098512.3); short protein forms K41E.
Identifiers: ClinVar variation 4635525 (VCV004635525.1).
Genomic context (GRCh38, chr10:51,074,711, plus strand): 5'-CGGGATGCTCTCATCGACGAGCTGGAGCTGGAGTTGGATCAGAAGGACGAACTGATCCAG[A>G]AGCTGCAGAACGAGCTGGACAAGTACCGCTCGGTGATCCGACCAGCCACCCAGCAGGCGC-3'
Protein context (NP_006249.1, residues 31-51): ELDQKDELIQ[Lys41Glu]LQNELDKYRS

ClinVar aggregate classification (germline): Uncertain significance (1 of 4 stars; one submission).

Conditions:
Familial thoracic aortic aneurysm and aortic dissection (TAAD). Also called: Thoracic aortic aneurysms and dissections. Identifiers: Orphanet 91387, MedGen C4707243, MONDO:0019625.

Submission:

Ambry Genetics
Classification: Uncertain significance for Familial thoracic aortic aneurysm and aortic dissection. Last evaluated: 2025-09-28. Review status: criteria provided, single submitter. Criteria: Ambry Variant Classification Scheme 2023. Collection method: clinical testing. Allele origin: germline.
Comment: The p.K41E variant (also known as c.121A>G), located in coding exon 1 of the PRKG1 gene, results from an A to G substitution at nucleotide position 121. The lysine at codon 41 is replaced by glutamic acid, an amino acid with similar properties. This amino acid position is conserved. In addition, this alteration is predicted to be tolerated by in silico analysis. Based on the available evidence, the clinical significance of this variant remains unclear.